The following is an entry in ClinVar:

NM_058195.4(CDKN2A):c.147A>T (p.Leu49=)

Gene: CDKN2A (cyclin dependent kinase inhibitor 2A; minus strand). Cytogenetic location: 9p21.3.
Variant type: single nucleotide variant.
Coding change: c.147A>T on transcript NM_058195.4 (MANE Plus Clinical); coding-DNA position 147, A replaced by T.
Protein change: p.Leu49=; no amino-acid change (leucine 49 retained).
Molecular consequence: synonymous variant. On other transcripts: intron variant (1).
Genome position (GRCh38, 1-based): chr9:21,994,185, T>A on the plus strand (A>T on the coding strand, the complement: CDKN2A is on the minus strand). VCF-style: chr9-21994185-T-A. GRCh37 (hg19) VCF-style: chr9-21994184-T-A.
Other names: c.-4+636A>T (NM_001363763.2).
Identifiers: ClinVar variation 4224779 (VCV004224779.1).

ClinVar aggregate classification (germline): Uncertain significance (1 of 4 stars; one submission).

Conditions:
Hereditary cancer-predisposing syndrome. Also called: Neoplastic Syndromes, Hereditary; Tumor predisposition; Hereditary neoplastic syndrome; Hereditary Cancer Syndrome. Identifiers: Orphanet 140162, MedGen C0027672, MeSH D009386, MONDO:0015356.

Submission:

Ambry Genetics
Classification: Uncertain significance for Hereditary cancer-predisposing syndrome. Last evaluated: 2025-07-29. Review status: criteria provided, single submitter. Criteria: Ambry Variant Classification Scheme 2023. Collection method: clinical testing. Allele origin: germline.
Comment: The c.147A>T variant (also known as p.L49L), located in coding exon 1 of the CDKN2A (p14ARF) gene, results from an A to T substitution at nucleotide position 147. This nucleotide substitution does not change the amino acid at codon 49. This nucleotide position is well conserved in available vertebrate species. In silico splice site analysis for this alteration is inconclusive. Based on the available evidence, the clinical significance of this variant remains unclear.